The following is an entry in ClinVar:

ClinVar aggregate classification (germline): Benign/Likely benign. Review status: criteria provided, multiple submitters, no conflicts (2 of 4 stars). 3 submissions from 3 submitters: Benign (1); Likely benign (2). Last evaluated 2025-04-07.

Conditions:
Hereditary cancer-predisposing syndrome. Also called: Tumor predisposition; Neoplastic Syndromes, Hereditary; Hereditary Cancer Syndrome; Hereditary neoplastic syndrome. Identifiers: Orphanet 140162, MedGen C0027672, MeSH D009386, MONDO:0015356.
BAP1-related tumor predisposition syndrome (TPDS1). Also called: TUMOR PREDISPOSITION SYNDROME 1; COMMON Syndrome; Tumor susceptibility linked to germline BAP1 mutations; BAP1 tumor predisposition syndrome. Identifiers: Orphanet 289539, MedGen C3280492, MONDO:0013692, OMIM 614327.

Allele frequency attached by ClinVar (database versions not stated): TOPMed below 0.00001.

Submissions (3):

Labcorp Genetics (formerly Invitae), Labcorp
Classification: Likely benign for BAP1-related tumor predisposition syndrome. Last evaluated: 2025-04-07. Review status: criteria provided, single submitter. Criteria: Invitae Variant Classification Sherloc (09022015). Collection method: clinical testing. Allele origin: germline.

Ambry Genetics
Classification: Likely benign for Hereditary cancer-predisposing syndrome. Last evaluated: 2025-03-28. Review status: criteria provided, single submitter. Criteria: Ambry Variant Classification Scheme 2023. Collection method: clinical testing. Allele origin: germline.

Myriad Genetics, Inc.
Classification: Benign for BAP1-related tumor predisposition syndrome. Last evaluated: 2024-07-15. Review status: criteria provided, single submitter. Criteria: Myriad Autosomal Dominant, Autosomal Recessive and X-Linked Classification Criteria (2023). Collection method: clinical testing. Allele origin: unknown.
Comment: This variant is considered benign. This variant is a silent/synonymous amino acid change and it is not expected to impact splicing.

NM_004656.4(BAP1):c.708C>T (p.Asp236=)

Gene: BAP1 (BRCA1 associated deubiquitinase 1; minus strand). Cytogenetic location: 3p21.1.
Variant type: single nucleotide variant.
Coding change: c.708C>T on transcript NM_004656.4 (MANE Select); coding-DNA position 708, C replaced by T.
Protein change: p.Asp236=; no amino-acid change (aspartic acid 236 retained).
Molecular consequence: synonymous variant.
Genome position (GRCh38, 1-based): chr3:52,406,328, G>A on the plus strand (C>T on the coding strand, the complement: BAP1 is on the minus strand). VCF-style: chr3-52406328-G-A. GRCh37 (hg19) VCF-style: chr3-52440344-G-A.
Other names: c.708C>T (NM_004656.2).
Identifiers: ClinVar variation 1103003 (VCV001103003.9), dbSNP rs1705157167, ClinGen allele CA433776303.